The following is an entry in ClinVar:

ClinVar aggregate classification (germline): Uncertain significance. Review status: criteria provided, multiple submitters, no conflicts (2 of 4 stars). 2 submissions from 2 submitters: Uncertain significance (2). Last evaluated 2026-01-21.

Allele frequency attached by ClinVar (database versions not stated): TOPMed below 0.00001; ExAC 0.00002.
gnomAD v4.1: 1 of 1,614,096 alleles (0.000062%); highest among the groups gnomAD compares: Non-Finnish European, 0.000085%; no homozygotes.

Submissions (2):

Labcorp Genetics (formerly Invitae), Labcorp
Classification: Uncertain significance. Last evaluated: 2026-01-21. Review status: criteria provided, single submitter. Criteria: Invitae Variant Classification Sherloc (09022015). Collection method: clinical testing. Allele origin: germline.
Comment: This sequence change replaces asparagine, which is neutral and polar, with lysine, which is basic and polar, at codon 285 of the MICAL1 protein (p.Asn285Lys). This variant is present in population databases (rs748567166, gnomAD 0.002%). This variant has not been reported in the literature in individuals affected with MICAL1-related conditions. ClinVar contains an entry for this variant (Variation ID: 3005192). An algorithm developed to predict the effect of missense changes on protein structure and function (PolyPhen-2) suggests that this variant is likely to be disruptive. In summary, the available evidence is currently insufficient to determine the role of this variant in disease. Therefore, it has been classified as a Variant of Uncertain Significance.

Ambry Genetics
Classification: Uncertain significance. Last evaluated: 2025-04-20. Review status: criteria provided, single submitter. Criteria: Ambry Variant Classification Scheme 2023. Collection method: clinical testing. Allele origin: germline.

NM_022765.4(MICAL1):c.798C>A (p.Asn266Lys)

Gene: MICAL1 (microtubule associated monooxygenase, calponin and LIM domain containing 1; minus strand). Cytogenetic location: 6q21.
Variant type: single nucleotide variant.
Coding change: c.798C>A on transcript NM_022765.4 (MANE Select); coding-DNA position 798, C replaced by A.
Protein change: p.Asn266Lys; replaces asparagine 266 with lysine.
Molecular consequence: missense variant.
Genome position (GRCh38, 1-based): chr6:109,452,280, G>T on the plus strand (C>A on the coding strand, the complement: MICAL1 is on the minus strand). VCF-style: chr6-109452280-G-T. GRCh37 (hg19) VCF-style: chr6-109773483-G-T.
Other names: c.798C>A, p.Asn266Lys (NM_001159291.2); c.855C>A, p.Asn285Lys (NM_001286613.2); c.798C>A (NM_022765.3); short protein forms N285K, N266K.
Identifiers: ClinVar variation 3005192 (VCV003005192.4), dbSNP rs748567166, ClinGen allele CA3953624.